The following is an entry in ClinVar:

NM_001384474.1(LOXHD1):c.130+4C>A

Gene: LOXHD1 (lipoxygenase homology PLAT domains 1; minus strand). Cytogenetic location: 18q21.1.
Variant type: single nucleotide variant.
Coding change: c.130+4C>A on transcript NM_001384474.1 (MANE Select); 4 bases into the intron after coding-DNA position 130, C replaced by A.
Molecular consequence: intron variant.
Genome position (GRCh38, 1-based): chr18:46,656,900, G>T on the plus strand (C>A on the coding strand, the complement: LOXHD1 is on the minus strand). VCF-style: chr18-46656900-G-T. GRCh37 (hg19) VCF-style: chr18-44236863-G-T.
Other names: c.130+4C>A (NM_144612.7).
Identifiers: ClinVar variation 666848 (VCV000666848.4), dbSNP rs1024865273, ClinGen allele CA629498668.

ClinVar aggregate classification (germline): Uncertain significance (1 of 4 stars; one submission).

Submission:

Laboratory for Molecular Medicine, Mass General Brigham Personalized Medicine
Classification: Uncertain significance. Last evaluated: 2018-08-22. Review status: criteria provided, single submitter. Criteria: LMM Criteria. Collection method: clinical testing. Allele origin: germline. Observed: 1 variant allele.
Comment: The c.130+4C>A variant in LOXHD1 has not been previously reported in individuals with hearing loss and was absent from large population studies. This variant is located in the 5' splice region. Computational tools do not suggest an impact t o splicing, though this information is not predictive enough to rule out pathoge nicity. In summary, the clinical significance of the c.130+4C>A variant is uncer tain. ACMG/AMP Criteria applied: BP4.